The following is an entry in ClinVar:

NM_001040108.2(MLH3):c.948G>C (p.Glu316Asp)

Gene: MLH3 (mutL homolog 3; minus strand). Cytogenetic location: 14q24.3.
Variant type: single nucleotide variant.
Coding change: c.948G>C on transcript NM_001040108.2 (MANE Select); coding-DNA position 948, G replaced by C.
Protein change: p.Glu316Asp; replaces glutamic acid 316 with aspartic acid.
Molecular consequence: missense variant.
Genome position (GRCh38, 1-based): chr14:75,048,708, C>G on the plus strand (G>C on the coding strand, the complement: MLH3 is on the minus strand). VCF-style: chr14-75048708-C-G. GRCh37 (hg19) VCF-style: chr14-75515411-C-G.
Other names: c.948G>C, p.Glu316Asp (NM_014381.3); short protein forms E316D.
Identifiers: ClinVar variation 1767123 (VCV001767123.3), dbSNP rs750723376, ClinGen allele CA7275940.
Genomic context (GRCh38, chr14:75,048,708, plus strand): 5'-GAGAGTGTCCCAGTTCTGAAATTCAATCAGAGTTTTGGCTGGCTCCATGCACACATCATA[C>G]TCACAGAATTGGCACTGCACATTAATTACATATATGCCATAGAGTTCTGGGGTAGACCGG-3'
Protein context (NP_001035197.1, residues 306-326): YVINVQCQFC[Glu316Asp]YDVCMEPAKT

ClinVar aggregate classification (germline): Uncertain significance (1 of 4 stars; one submission).

Allele frequency attached by ClinVar (database versions not stated): gnomAD 0.00001.

Submission:

Ambry Genetics
Classification: Uncertain significance. Last evaluated: 2023-07-29. Review status: criteria provided, single submitter. Criteria: Ambry Variant Classification Scheme 2023. Collection method: clinical testing. Allele origin: germline.
Comment: The p.E316D variant (also known as c.948G>C), located in coding exon 1 of the MLH3 gene, results from a G to C substitution at nucleotide position 948. The glutamic acid at codon 316 is replaced by aspartic acid, an amino acid with highly similar properties. This amino acid position is conserved. In addition, this alteration is predicted to be tolerated by in silico analysis. Since supporting evidence is limited at this time, the clinical significance of this alteration remains unclear.